The following is an entry in ClinVar:

ClinVar aggregate classification (germline): Likely benign. Review status: criteria provided, multiple submitters, no conflicts (2 of 4 stars). 2 submissions from 2 submitters: Likely benign (2). Last evaluated 2025-01-06.

gnomAD v4.1: 56 of 1,614,128 alleles (0.0035%); highest among the groups gnomAD compares: African/African-American, 0.072%; no homozygotes.

Submissions (2):

Mayo Clinic Laboratories, Mayo Clinic
Classification: Likely benign. Last evaluated: 2025-01-06. Review status: criteria provided, single submitter. Criteria: ACMG Guidelines, 2015. Collection method: clinical testing. Allele origin: germline. Observed: 1 variant allele.
Comment: BP4, BP7

Labcorp Genetics (formerly Invitae), Labcorp
Classification: Likely benign. Last evaluated: 2024-06-19. Review status: criteria provided, single submitter. Criteria: Invitae Variant Classification Sherloc (09022015). Collection method: clinical testing. Allele origin: germline.

NM_004309.6(ARHGDIA):c.105C>A (p.Ile35=)

Genes: ARHGDIA (Rho GDP dissociation inhibitor alpha; minus strand), LOC130061974 (ATAC-STARR-seq lymphoblastoid active region 12981; plus strand). Cytogenetic location: 17q25.3.
Variant type: single nucleotide variant.
Coding change: c.105C>A on transcript NM_004309.6 (MANE Select); coding-DNA position 105, C replaced by A.
Protein change: p.Ile35=; no amino-acid change (isoleucine 35 retained).
Molecular consequence: synonymous variant. On other transcripts: non-coding transcript variant (1).
Genome position (GRCh38, 1-based): chr17:81,869,826, G>T on the plus strand (C>A on the coding strand, the complement: ARHGDIA is on the minus strand). VCF-style: chr17-81869826-G-T. GRCh37 (hg19) VCF-style: chr17-79827702-G-T.
Other names: p.Ile35=; c.105C>A, p.Ile35= (NM_001185077.3, NM_001185078.3, NM_001301240.2 and 3 more transcripts).
Identifiers: ClinVar variation 3637039 (VCV003637039.3).
Genomic context (GRCh38, chr17:81,869,826, plus strand): 5'-CAGGGCCTCCTTGTACTTTCGCAGGCTCTCGTCGTCCTTGTCCAGCTCCTGGATCTCCTG[G>T]ATGCTCTTCTGGGCCGGGGGCTTGTAGTTGACCGAGTGCTCATCCTCCTCGTTCTCCGCT-3'
Protein context (NP_004300.1, residues 25-45): VNYKPPAQKS[Ile35=]QEIQELDKDD